The following is an entry in ClinVar:

NM_000479.5(AMH):c.273C>T (p.Arg91=)

Gene: AMH (anti-Mullerian hormone; plus strand). Cytogenetic location: 19p13.3.
Variant type: single nucleotide variant.
Coding change: c.273C>T on transcript NM_000479.5 (MANE Select); coding-DNA position 273, C replaced by T.
Protein change: p.Arg91=; no amino-acid change (arginine 91 retained).
Molecular consequence: synonymous variant.
Genome position (GRCh38, 1-based): chr19:2,249,605, C>T. VCF-style: chr19-2249605-C-T. GRCh37 (hg19) VCF-style: chr19-2249604-C-T.
Identifiers: ClinVar variation 745907 (VCV000745907.6), dbSNP rs776141279, ClinGen allele CA9062786.

ClinVar aggregate classification (germline): Likely benign. Review status: criteria provided, single submitter (1 of 4 stars). 2 submissions from 2 submitters: Likely benign (1). 1 of the submissions does not count toward it. Last evaluated 2019-12-31.

Conditions:
AMH-related disorder. Also called: AMH-related condition.

Allele frequency attached by ClinVar (database versions not stated): gnomAD 0.00014; 1000 Genomes Project 30x 0.00016; TOPMed 0.00011.
gnomAD v4.1: 124 of 1,548,068 alleles (0.008%); highest among the groups gnomAD compares: Non-Finnish European, 0.011%; 1 homozygote.

Submissions (2):

Labcorp Genetics (formerly Invitae), Labcorp
Classification: Likely benign. Last evaluated: 2019-12-31. Review status: criteria provided, single submitter. Criteria: Invitae Variant Classification Sherloc (09022015). Collection method: clinical testing. Allele origin: germline.

PreventionGenetics, part of Exact Sciences
Classification: Likely benign for AMH-related condition. Last evaluated: 2023-05-02. Review status: no assertion criteria provided. Collection method: clinical testing. Allele origin: germline. Not counted in ClinVar's aggregate classification.
Comment: This variant is classified as likely benign based on ACMG/AMP sequence variant interpretation guidelines (Richards et al. 2015 PMID: 25741868, with internal and published modifications).